The following is an entry in ClinVar:

NM_145239.3(PRRT2):c.460C>T (p.Pro154Ser)

Genes: MVP-DT (MVP divergent transcript; minus strand), PRRT2 (proline rich transmembrane protein 2; plus strand). Cytogenetic location: 16p11.2.
Variant type: single nucleotide variant.
Coding change: c.460C>T on transcript NM_145239.3 (MANE Select); coding-DNA position 460, C replaced by T.
Protein change: p.Pro154Ser; replaces proline 154 with serine.
Molecular consequence: missense variant.
Genome position (GRCh38, 1-based): chr16:29,813,514, C>T. VCF-style: chr16-29813514-C-T. GRCh37 (hg19) VCF-style: chr16-29824835-C-T.
Other names: p.P154S:CCA>TCA; c.460C>T, p.Pro154Ser (NM_001256442.2, NM_001256443.2); short protein forms P154S.
Identifiers: ClinVar variation 206684 (VCV000206684.11), dbSNP rs571941412, ClinGen allele CA317021.
Genomic context (GRCh38, chr16:29,813,514, plus strand): 5'-CCAGCCCCAGAGCCTGCTCCCCAACCAGACCCCCGGCCAGATTCCCAGCCTACCCCCAAG[C>T]CAGCCCTTCAACCAGAGCTCCCTACCCAGGAGGACCCCACCCCTGAGATTCTGTCTGAGA-3'
Protein context (NP_660282.2, residues 144-164): PRPDSQPTPK[Pro154Ser]ALQPELPTQE

ClinVar aggregate classification (germline): Conflicting classifications of pathogenicity. Review status: criteria provided, conflicting classifications (1 of 4 stars). 3 submissions from 3 submitters: Uncertain significance (1); Likely benign (2). Last evaluated 2025-04-14.

Conditions:
Episodic kinesigenic dyskinesia (EKD). Also called: Paroxysmal kinesigenic dyskinesia. Identifiers: Orphanet 98809, MedGen C1868682, MONDO:0044202.

Allele frequency attached by ClinVar (database versions not stated): gnomAD below 0.00001 and 0.00007; TOPMed 0.00001; gnomAD exomes 0.00012 and 0.00023; ExAC 0.00027; 1000 Genomes Project 30x 0.00047; 1000 Genomes Project 0.00060.

Submissions (3):

Labcorp Genetics (formerly Invitae), Labcorp
Classification: Likely benign for Episodic kinesigenic dyskinesia. Last evaluated: 2025-04-14. Review status: criteria provided, single submitter. Criteria: Invitae Variant Classification Sherloc (09022015). Collection method: clinical testing. Allele origin: germline.

Blueprint Genetics
Classification: Likely benign. Last evaluated: 2024-08-01. Review status: criteria provided, single submitter. Criteria: ACMG Guidelines, 2015. Collection method: clinical testing. Allele origin: germline.

GeneDx
Classification: Uncertain significance. Last evaluated: 2014-05-14. Review status: criteria provided, single submitter. Criteria: GeneDx Variant Classification (06012015). Collection method: clinical testing. Allele origin: germline. Affected: yes.
Comment: p.Pro154Ser (CCA>TCA): c.460 C>T in exon 2 of the PRRT2 gene (NM_145239.2) A variant of unknown significance has been identified in the PRRT2 gene. The P154S variant has not been published as a mutation, nor has it been reported as a benign polymorphism to our knowledge. It was not observed in approximately 6,500 individuals of European and African American ancestry in the NHLBI Exome Sequencing Project, indicating it is not a common benign variant in these populations. The P154S variant is a non-conservative amino acid substitution, which is likely to impact secondary protein structure as these residues differ in polarity, charge, size and/or other properties. However, this substitution occurs at a position that is not conserved across species, and Serine is seen at this position in evolution. In silico analysis predicts the P154S variant likely does not alter the protein structure/function. Therefore, based on the currently available information, it is unclear whether this variant is a pathogenic mutation or a rare benign variant.The variant is found in EPILEPSY panel(s).